The following is an entry in ClinVar:

ClinVar aggregate classification (germline): Uncertain significance. Review status: criteria provided, multiple submitters, no conflicts (2 of 4 stars). 4 submissions from 4 submitters: Uncertain significance (4). Last evaluated 2024-03-22.

Conditions:
Sulfite oxidase deficiency due to molybdenum cofactor deficiency type A. Also called: Molybdenum Cofactor Deficiency A; Molybdenum cofactor deficiency, complementation group A. Identifiers: Orphanet 308386, Orphanet 833, MedGen C1854988, MONDO:0009643, OMIM 252150.

Allele frequency attached by ClinVar (database versions not stated): gnomAD exomes 0.00003 and 0.00010; ExAC 0.00012; gnomAD 0.00036; TOPMed 0.00037; 1000 Genomes Project 30x 0.00047; 1000 Genomes Project 0.00060.
gnomAD v4.1: 106 of 1,614,146 alleles (0.0066%); highest among the groups gnomAD compares: African/African-American, 0.11%; no homozygotes.

Submissions (4):

Fulgent Genetics
Classification: Uncertain significance for Sulfite oxidase deficiency due to molybdenum cofactor deficiency type A. Last evaluated: 2024-03-22. Review status: criteria provided, single submitter. Criteria: ACMG Guidelines, 2015. Collection method: clinical testing. Allele origin: germline.

Labcorp Genetics (formerly Invitae), Labcorp
Classification: Uncertain significance for Sulfite oxidase deficiency due to molybdenum cofactor deficiency type A. Last evaluated: 2022-09-27. Review status: criteria provided, single submitter. Criteria: Invitae Variant Classification Sherloc (09022015). Collection method: clinical testing. Allele origin: germline.
Comment: This sequence change replaces glutamic acid, which is acidic and polar, with glycine, which is neutral and non-polar, at codon 201 of the MOCS1 protein (p.Glu201Gly). This variant is present in population databases (rs186335243, gnomAD 0.1%). This variant has not been reported in the literature in individuals affected with MOCS1-related conditions. ClinVar contains an entry for this variant (Variation ID: 1022098). Algorithms developed to predict the effect of missense changes on protein structure and function are either unavailable or do not agree on the potential impact of this missense change (SIFT: "Not Available"; PolyPhen-2: "Possibly Damaging"; Align-GVGD: "Not Available"). In summary, the available evidence is currently insufficient to determine the role of this variant in disease. Therefore, it has been classified as a Variant of Uncertain Significance.

Baylor Genetics
Classification: Uncertain significance for Sulfite oxidase deficiency due to molybdenum cofactor deficiency type A. Last evaluated: 2019-12-24. Review status: criteria provided, single submitter. Criteria: ACMG Guidelines, 2015. Collection method: clinical testing. Allele origin: unknown. Affected: yes.
Comment: This variant was determined to be of uncertain significance according to ACMG Guidelines, 2015 [PMID:25741868].

Breakthrough Genomics
Classification: Uncertain significance. Review status: criteria provided, single submitter. Criteria: ACMG Guidelines, 2015. Collection method: not provided. Allele origin: germline. Inheritance: Autosomal recessive inheritance. Affected: yes.

NM_001358530.2(MOCS1):c.602A>G (p.Glu201Gly)

Gene: MOCS1 (molybdenum cofactor synthesis 1; minus strand). Cytogenetic location: 6p21.2.
Variant type: single nucleotide variant.
Coding change: c.602A>G on transcript NM_001358530.2 (MANE Select); coding-DNA position 602, A replaced by G.
Protein change: p.Glu201Gly; replaces glutamic acid 201 with glycine.
Molecular consequence: missense variant. On other transcripts: non-coding transcript variant (1).
Genome position (GRCh38, 1-based): chr6:39,913,817, T>C on the plus strand (A>G on the coding strand, the complement: MOCS1 is on the minus strand). VCF-style: chr6-39913817-T-C. GRCh37 (hg19) VCF-style: chr6-39881561-T-C.
Other names: c.602A>G, p.Glu201Gly (NM_001075098.4, NM_001358529.2, NM_005943.6); c.341A>G, p.Glu114Gly (NM_001358531.2, NM_001358533.2, NM_001358534.2); short protein forms E114G, E201G.
Identifiers: ClinVar variation 1022098 (VCV001022098.8), dbSNP rs186335243, ClinGen allele CA3796227.